The following is an entry in ClinVar:

NM_006231.4(POLE):c.54G>C (p.Glu18Asp)

Genes: POLE (DNA polymerase epsilon, catalytic subunit; minus strand), LOC130009266 (ATAC-STARR-seq lymphoblastoid silent region 5123; plus strand). Cytogenetic location: 12q24.33.
Variant type: single nucleotide variant.
Coding change: c.54G>C on transcript NM_006231.4 (MANE Select); coding-DNA position 54, G replaced by C.
Protein change: p.Glu18Asp; replaces glutamic acid 18 with aspartic acid.
Molecular consequence: missense variant.
Genome position (GRCh38, 1-based): chr12:132,687,262, C>G on the plus strand (G>C on the coding strand, the complement: POLE is on the minus strand). VCF-style: chr12-132687262-C-G. GRCh37 (hg19) VCF-style: chr12-133263848-C-G.
Other names: c.54G>C (NM_006231.2); short protein forms E18D.
Identifiers: ClinVar variation 473736 (VCV000473736.10), dbSNP rs1311350422, ClinGen allele CA387373321.
Genomic context (GRCh38, chr12:132,687,262, plus strand): 5'-CATGGCACCCTCCGGAGGGCCGGCCCGAGAGCCTCAGGAGGGCGCCCCTCACCTGCTGGC[C>G]TCGCCATCCGCGCCTGGGTCCGCGCGCCGCCGCCCGCCGCTCCTCAGAGACATGGAGCCG-3'
Protein context (NP_006222.2, residues 8-28): RRRADPGADG[Glu18Asp]ASRDDGATSS

ClinVar aggregate classification (germline): Uncertain significance. Review status: criteria provided, multiple submitters, no conflicts (2 of 4 stars). 2 submissions from 2 submitters: Uncertain significance (2). Last evaluated 2025-08-03.

Conditions:
Hereditary cancer-predisposing syndrome. Also called: Neoplastic Syndromes, Hereditary; Tumor predisposition; Hereditary Cancer Syndrome; Hereditary neoplastic syndrome. Identifiers: Orphanet 140162, MedGen C0027672, MeSH D009386, MONDO:0015356.

Allele frequency attached by ClinVar (database versions not stated): gnomAD exomes below 0.00001 and 0.00001; gnomAD 0.00001.
gnomAD v4.1: 3 of 1,500,228 alleles (0.0002%); highest among the groups gnomAD compares: Admixed American, 0.0063%; no homozygotes.

Submissions (2):

Labcorp Genetics (formerly Invitae), Labcorp
Classification: Uncertain significance. Last evaluated: 2025-08-03. Review status: criteria provided, single submitter. Criteria: Invitae Variant Classification Sherloc (09022015). Collection method: clinical testing. Allele origin: germline.
Comment: This sequence change replaces glutamic acid, which is acidic and polar, with aspartic acid, which is acidic and polar, at codon 18 of the POLE protein (p.Glu18Asp). This variant is present in population databases (no rsID available, gnomAD 0.005%). This variant has not been reported in the literature in individuals affected with POLE-related conditions. ClinVar contains an entry for this variant (Variation ID: 473736). An algorithm developed to predict the effect of missense changes on protein structure and function (PolyPhen-2) suggests that this variant is likely to be tolerated. In summary, the available evidence is currently insufficient to determine the role of this variant in disease. Therefore, it has been classified as a Variant of Uncertain Significance.

Ambry Genetics
Classification: Uncertain significance for Hereditary cancer-predisposing syndrome. Last evaluated: 2024-11-15. Review status: criteria provided, single submitter. Criteria: Ambry Variant Classification Scheme 2023. Collection method: clinical testing. Allele origin: germline.
Comment: The p.E18D variant (also known as c.54G>C), located in coding exon 1 of the POLE gene, results from a G to C substitution at nucleotide position 54. The glutamic acid at codon 18 is replaced by aspartic acid, an amino acid with highly similar properties. This amino acid position is conserved. In addition, this alteration is predicted to be tolerated by in silico analysis. Based on the available evidence, the clinical significance of this variant remains unclear.